The following is an entry in ClinVar:

NM_006236.3(POU3F3):c.534C>T (p.Pro178=)

Gene: POU3F3 (POU class 3 homeobox 3; plus strand). Cytogenetic location: 2q12.1.
Variant type: single nucleotide variant.
Coding change: c.534C>T on transcript NM_006236.3 (MANE Select); coding-DNA position 534, C replaced by T.
Protein change: p.Pro178=; no amino-acid change (proline 178 retained).
Molecular consequence: synonymous variant.
Genome position (GRCh38, 1-based): chr2:104,856,044, C>T. VCF-style: chr2-104856044-C-T. GRCh37 (hg19) VCF-style: chr2-105472502-C-T.
Identifiers: ClinVar variation 2651219 (VCV002651219.24), dbSNP rs897533109, ClinGen allele CA53278099.

ClinVar aggregate classification (germline): Likely benign (1 of 4 stars; one submission).

Allele frequency attached by ClinVar (database versions not stated): gnomAD exomes 0.00002; 1000 Genomes Project 30x 0.00047; TOPMed 0.00047; gnomAD 0.00055.
gnomAD v4.1: 93 of 991,466 alleles (0.0094%); highest among the groups gnomAD compares: African/African-American, 0.16%; no homozygotes.

Submission:

CeGaT Center for Human Genetics Tuebingen
Classification: Likely benign. Last evaluated: 2023-03-01. Review status: criteria provided, single submitter. Criteria: CeGaT Center For Human Genetics Tuebingen Variant Classification Criteria Version 2. Collection method: clinical testing. Allele origin: germline. Affected: yes. Observed: 1 variant allele.
Comment: POU3F3: BP4, BP7